The following is an entry in ClinVar:

ClinVar aggregate classification (germline): Uncertain significance (1 of 4 stars; one submission).

Submission:

Labcorp Genetics (formerly Invitae), Labcorp
Classification: Uncertain significance. Last evaluated: 2025-09-30. Review status: criteria provided, single submitter. Criteria: Invitae Variant Classification Sherloc (09022015). Collection method: clinical testing. Allele origin: germline.
Comment: This sequence change creates a premature translational stop signal (p.Phe1083Serfs*6) in the SAMD9L gene. While this is not anticipated to result in nonsense mediated decay, it is expected to disrupt the last 502 amino acid(s) of the SAMD9L protein. This variant is not present in population databases (gnomAD no frequency). This variant has not been reported in the literature in individuals affected with SAMD9L-related conditions. Experimental studies and prediction algorithms are not available or were not evaluated, and the functional significance of this variant is currently unknown. In summary, the available evidence is currently insufficient to determine the role of this variant in disease. Therefore, it has been classified as a Variant of Uncertain Significance.

NM_152703.5(SAMD9L):c.3248del (p.Phe1083fs)

Gene: SAMD9L (sterile alpha motif domain containing 9 like; minus strand). Cytogenetic location: 7q21.2.
Variant type: Deletion.
Coding change: c.3248del on transcript NM_152703.5 (MANE Select); coding-DNA position 3248, one base deleted (T; older notation c.3248delT).
Protein change: p.Phe1083fs; shifts the reading frame from phenylalanine 1083.
Molecular consequence: frameshift variant.
Genome position (GRCh38, 1-based): chr7:93,132,724, A deleted on the plus strand (T on the coding strand, the reverse complement: SAMD9L is on the minus strand); the first of 2 consecutive A bases (chr7:93,132,724-93,132,725); deleting either gives the same sequence. VCF-style (leftmost placement, unchanged base first): chr7-93132723-GA-G. GRCh37 (hg19) VCF-style: chr7-92762036-GA-G.
Other names: c.3248del, p.Phe1083fs (NM_001303496.3, NM_001303497.3, NM_001303498.3 and 5 more transcripts); short protein forms F1083fs.
Identifiers: ClinVar variation 4741650 (VCV004741650.1).